The following is an entry in ClinVar:

ClinVar aggregate classification (germline): Uncertain significance (1 of 4 stars; one submission).

Conditions:
Mucopolysaccharidosis, MPS-III-D (MPS3D). Also called: MUCOPOLYSACCHARIDOSIS, TYPE IIID; N-ACETYLGLUCOSAMINE-6-SULFATASE DEFICIENCY; SANFILIPPO SYNDROME D; MPS III D; Mucopoly-saccharidosis type 3D; N-acetylglucosamine-6-sulfate sulfatase deficiency. Identifiers: Orphanet 581, Orphanet 79272, MedGen C0086650, MONDO:0009658, OMIM 252940.

Submission:

Labcorp Genetics (formerly Invitae), Labcorp
Classification: Uncertain significance for Mucopolysaccharidosis, MPS-III-D. Last evaluated: 2022-03-23. Review status: criteria provided, single submitter. Criteria: Invitae Variant Classification Sherloc (09022015). Collection method: clinical testing. Allele origin: germline.
Comment: This sequence change replaces arginine, which is basic and polar, with glycine, which is neutral and non-polar, at codon 401 of the GNS protein (p.Arg401Gly). This variant is not present in population databases (gnomAD no frequency). This variant has not been reported in the literature in individuals affected with GNS-related conditions. Algorithms developed to predict the effect of missense changes on protein structure and function (SIFT, PolyPhen-2, Align-GVGD) all suggest that this variant is likely to be tolerated. In summary, the available evidence is currently insufficient to determine the role of this variant in disease. Therefore, it has been classified as a Variant of Uncertain Significance.

NM_002076.4(GNS):c.1201A>G (p.Arg401Gly)

Gene: GNS (glucosamine (N-acetyl)-6-sulfatase; minus strand). Cytogenetic location: 12q14.3.
Variant type: single nucleotide variant.
Coding change: c.1201A>G on transcript NM_002076.4 (MANE Select); coding-DNA position 1201, A replaced by G.
Protein change: p.Arg401Gly; replaces arginine 401 with glycine.
Molecular consequence: missense variant.
Genome position (GRCh38, 1-based): chr12:64,723,113, T>C on the plus strand (A>G on the coding strand, the complement: GNS is on the minus strand). VCF-style: chr12-64723113-T-C. GRCh37 (hg19) VCF-style: chr12-65116893-T-C.
Other names: short protein forms R401G.
Identifiers: ClinVar variation 1896683 (VCV001896683.2), dbSNP rs2539505302, ClinGen allele CA385603483.
Genomic context (GRCh38, chr12:64,723,113, plus strand): 5'-GGCCTTCTCCTTGGTATTCCACCAGGACATCTGATCGCCAGGTCAAGTTACTGGCACCTC[T>C]CTAGAAAGAAGAGCAAGTGGAATTTCTGTGATGCACATAGACTATGATAAAGATCACAAA-3'
Protein context (NP_002067.1, residues 391-411): MDGMSLLPIL[Arg401Gly]GASNLTWRSD